The following is an entry in ClinVar:

NM_001184.4(ATR):c.4760A>G (p.His1587Arg)

Gene: ATR (ATR checkpoint kinase; minus strand). Cytogenetic location: 3q23.
Variant type: single nucleotide variant.
Coding change: c.4760A>G on transcript NM_001184.4 (MANE Select); coding-DNA position 4760, A replaced by G.
Protein change: p.His1587Arg; replaces histidine 1587 with arginine.
Molecular consequence: missense variant.
Genome position (GRCh38, 1-based): chr3:142,512,352, T>C on the plus strand (A>G on the coding strand, the complement: ATR is on the minus strand). VCF-style: chr3-142512352-T-C. GRCh37 (hg19) VCF-style: chr3-142231194-T-C.
Other names: c.4568A>G, p.His1523Arg (NM_001354579.2); short protein forms H1523R, H1587R.
Identifiers: ClinVar variation 2587596 (VCV002587596.2), dbSNP rs2032621491, ClinGen allele CA354795408.

ClinVar aggregate classification (germline): Uncertain significance (1 of 4 stars; one submission).

Conditions:
Inborn genetic diseases. Identifiers: MedGen C0950123, MeSH D030342.

Submission:

Ambry Genetics
Classification: Uncertain significance for Inborn genetic diseases. Last evaluated: 2023-09-12. Review status: criteria provided, single submitter. Criteria: Ambry Variant Classification Scheme 2023. Collection method: clinical testing. Allele origin: germline.
Comment: The p.H1587R variant (also known as c.4760A>G), located in coding exon 27 of the ATR gene, results from an A to G substitution at nucleotide position 4760. The histidine at codon 1587 is replaced by arginine, an amino acid with highly similar properties. This amino acid position is conserved. In addition, the in silico prediction for this alteration is inconclusive. Since supporting evidence is limited at this time, the clinical significance of this alteration remains unclear.